The following is an entry in ClinVar:

NM_052876.4(NACC1):c.294C>G (p.Phe98Leu)

Gene: NACC1 (nucleus accumbens associated 1; plus strand). Cytogenetic location: 19p13.13.
Variant type: single nucleotide variant.
Coding change: c.294C>G on transcript NM_052876.4 (MANE Select); coding-DNA position 294, C replaced by G.
Protein change: p.Phe98Leu; replaces phenylalanine 98 with leucine.
Molecular consequence: missense variant.
Genome position (GRCh38, 1-based): chr19:13,135,501, C>G. VCF-style: chr19-13135501-C-G. GRCh37 (hg19) VCF-style: chr19-13246315-C-G.
Other names: short protein forms F98L.
Identifiers: ClinVar variation 3654100 (VCV003654100.2).

ClinVar aggregate classification (germline): Uncertain significance (1 of 4 stars; one submission).

Submission:

Labcorp Genetics (formerly Invitae), Labcorp
Classification: Uncertain significance. Last evaluated: 2024-05-21. Review status: criteria provided, single submitter. Criteria: Invitae Variant Classification Sherloc (09022015). Collection method: clinical testing. Allele origin: germline.
Comment: This sequence change replaces phenylalanine, which is neutral and non-polar, with leucine, which is neutral and non-polar, at codon 98 of the NACC1 protein (p.Phe98Leu). This variant is not present in population databases (gnomAD no frequency). This variant has not been reported in the literature in individuals affected with NACC1-related conditions. Advanced modeling of protein sequence and biophysical properties (such as structural, functional, and spatial information, amino acid conservation, physicochemical variation, residue mobility, and thermodynamic stability) performed at Invitae indicates that this missense variant is not expected to disrupt NACC1 protein function with a negative predictive value of 80%. In summary, the available evidence is currently insufficient to determine the role of this variant in disease. Therefore, it has been classified as a Variant of Uncertain Significance.